The following is an entry in ClinVar:

ClinVar aggregate classification (germline): Uncertain significance (1 of 4 stars; one submission).

Conditions:
Heterotopia, periventricular, X-linked dominant (PVNH1). Also called: PERIVENTRICULAR NODULAR HETEROTOPIA 4; HETEROTOPIA, PERIVENTRICULAR, 1; PERIVENTRICULAR NODULAR HETEROTOPIA 1; X-linked periventricular heterotopia. Identifiers: Orphanet 2149, Orphanet 82004, MedGen C1848213, MONDO:0010233, OMIM 300049.
Oto-palato-digital syndrome, type II (OPD2). Also called: Otopalatodigital Syndrome, Type II; Otopalatodigital Syndrome Type 2 (FLNA-OPD2); FACIOPALATOOSSEOUS SYNDROME; OPD II SYNDROME. Identifiers: Orphanet 669, Orphanet 90652, MedGen C1844696, MONDO:0010571, OMIM 304120.
Melnick-Needles syndrome (MNS). Also called: Melnick-Needles Syndrome (FLNA-MNS); MELNICK-NEEDLES OSTEODYSPLASTY; OSTEODYSPLASTY OF MELNICK AND NEEDLES. Identifiers: Orphanet 2484, MedGen C0025237, MONDO:0010650, OMIM 309350.
Frontometaphyseal dysplasia (FMD1). Identifiers: Orphanet 1826, MedGen C0265293, MONDO:0015942.

Submission:

Labcorp Genetics (formerly Invitae), Labcorp
Classification: Uncertain significance for Oto-palato-digital syndrome, type II; Heterotopia, periventricular, X-linked dominant; Frontometaphyseal dysplasia; Melnick-Needles syndrome. Last evaluated: 2019-09-23. Review status: criteria provided, single submitter. Criteria: Invitae Variant Classification Sherloc (09022015). Collection method: clinical testing. Allele origin: germline.
Comment: This variant is not present in population databases (ExAC no frequency). This sequence change replaces lysine with glutamic acid at codon 724 of the FLNA protein (p.Lys724Glu). The lysine residue is highly conserved and there is a small physicochemical difference between lysine and glutamic acid. This variant has not been reported in the literature in individuals with FLNA-related conditions. In summary, the available evidence is currently insufficient to determine the role of this variant in disease. Therefore, it has been classified as a Variant of Uncertain Significance. Algorithms developed to predict the effect of missense changes on protein structure and function are either unavailable or do not agree on the potential impact of this missense change (SIFT: "Deleterious"; PolyPhen-2: "Benign"; Align-GVGD: "Class C55").

NM_001110556.2(FLNA):c.2170A>G (p.Lys724Glu)

Gene: FLNA (filamin A; minus strand). Cytogenetic location: Xq28.
Variant type: single nucleotide variant.
Coding change: c.2170A>G on transcript NM_001110556.2 (MANE Select); coding-DNA position 2170, A replaced by G.
Protein change: p.Lys724Glu; replaces lysine 724 with glutamic acid.
Molecular consequence: missense variant.
Genome position (GRCh38, 1-based): chrX:154,364,132, T>C on the plus strand (A>G on the coding strand, the complement: FLNA is on the minus strand). VCF-style: chrX-154364132-T-C. GRCh37 (hg19) VCF-style: chrX-153592500-T-C.
Other names: c.2170A>G, p.Lys724Glu (NM_001456.4); short protein forms K724E.
Identifiers: ClinVar variation 954230 (VCV000954230.10), dbSNP rs2067736374, ClinGen allele CA415238118.